The following is an entry in ClinVar:

NM_001267550.2(TTN):c.11311+5270C>A

Genes: TTN (titin; minus strand), LOC126806432 (CDK7 strongly-dependent group 2 enhancer GRCh37_chr2:179611985-179613184; plus strand). Cytogenetic location: 2q31.2.
Variant type: single nucleotide variant.
Coding change: c.11311+5270C>A on transcript NM_001267550.2 (MANE Select); 5270 bases into the intron after coding-DNA position 11311, C replaced by A.
Molecular consequence: intron variant. On other transcripts: missense variant (1).
Genome position (GRCh38, 1-based): chr2:178,747,854, G>T on the plus strand (C>A on the coding strand, the complement: TTN is on the minus strand). VCF-style: chr2-178747854-G-T. GRCh37 (hg19) VCF-style: chr2-179612581-G-T.
Other names: c.14546C>A, p.Thr4849Lys (NM_133379.5); c.10222+5270C>A (NM_003319.4); c.10798+5270C>A (NM_133437.4); c.10597+5270C>A (NM_133432.3); c.10360+5270C>A (NM_133378.4, NM_001256850.1); short protein forms T4849K.
Identifiers: ClinVar variation 1803510 (VCV001803510.1), dbSNP rs2531161319, ClinGen allele CA349641065.

ClinVar aggregate classification (germline): Uncertain significance (1 of 4 stars; one submission).

Submission:

GeneDx
Classification: Uncertain significance. Last evaluated: 2022-06-08. Review status: criteria provided, single submitter. Criteria: GeneDx Variant Classification Process June 2021. Collection method: clinical testing. Allele origin: germline. Affected: yes.
Comment: Not observed at significant frequency in large population cohorts (gnomAD); Missense variant in a gene in which most reported pathogenic variants are truncating/loss of function; Has not been previously published as pathogenic or benign to our knowledge; Reported using an alternate transcript of the gene